The following is an entry in ClinVar:

ClinVar aggregate classification (germline): Likely benign. Review status: criteria provided, multiple submitters, no conflicts (2 of 4 stars). 2 submissions from 2 submitters: Likely benign (2). Last evaluated 2018-06-16.

Allele frequency attached by ClinVar (database versions not stated): gnomAD exomes 0.00047; gnomAD 0.00438 and 0.00463; TOPMed 0.00514; 1000 Genomes Project 0.00619; 1000 Genomes Project 30x 0.00687.
gnomAD v4.1: 1,205 of 1,223,230 alleles (0.099%); highest among the groups gnomAD compares: African/African-American, 1.4%; 14 homozygotes.

Submissions (2):

GeneDx
Classification: Likely benign. Last evaluated: 2018-06-16. Review status: criteria provided, single submitter. Criteria: GeneDx Variant Classification (06012015). Collection method: clinical testing. Allele origin: germline. Affected: yes.
Comment: This variant is considered likely benign or benign based on one or more of the following criteria: it is a conservative change, it occurs at a poorly conserved position in the protein, it is predicted to be benign by multiple in silico algorithms, and/or has population frequency not consistent with disease.

Breakthrough Genomics
Classification: Likely benign. Review status: criteria provided, single submitter. Criteria: ACMG Guidelines, 2015. Collection method: not provided. Allele origin: germline. Inheritance: Autosomal recessive inheritance. Affected: yes.

NM_004086.3(COCH):c.629+57A>C

Genes: COCH (cochlin; plus strand), LOC100506071 (uncharacterized LOC100506071; minus strand). Cytogenetic location: 14q12.
Variant type: single nucleotide variant.
Coding change: c.629+57A>C on transcript NM_004086.3 (MANE Select); 57 bases into the intron after coding-DNA position 629, A replaced by C.
Molecular consequence: intron variant.
Genome position (GRCh38, 1-based): chr14:30,880,791, A>C. VCF-style: chr14-30880791-A-C. GRCh37 (hg19) VCF-style: chr14-31349997-A-C.
Other names: c.824+57A>C (NM_001347720.2); c.629+57A>C (NM_001135058.2).
Identifiers: ClinVar variation 683480 (VCV000683480.2), dbSNP rs7161533, ClinGen allele CA258537884.